The following is an entry in ClinVar:

NM_005262.3(GFER):c.505T>C (p.Trp169Arg)

Gene: GFER (growth factor, augmenter of liver regeneration; plus strand). Cytogenetic location: 16p13.3.
Variant type: single nucleotide variant.
Coding change: c.505T>C on transcript NM_005262.3 (MANE Select); coding-DNA position 505, T replaced by C.
Protein change: p.Trp169Arg; replaces tryptophan 169 with arginine.
Molecular consequence: missense variant.
Genome position (GRCh38, 1-based): chr16:1,985,915, T>C. VCF-style: chr16-1985915-T-C. GRCh37 (hg19) VCF-style: chr16-2035916-T-C.
Other names: short protein forms W169R.
Identifiers: ClinVar variation 3600930 (VCV003600930.1).
Genomic context (GRCh38, chr16:1,985,915, plus strand): 5'-TCCCTACACAGGCTGTGCAGGAACCACCCAGACACCCGCACCCGGGCATGCTTCACACAG[T>C]GGCTGTGCCACCTGCACAATGAAGTGAACCGCAAGCTGGGCAAGCCTGACTTCGACTGCT-3'
Protein context (NP_005253.3, residues 159-179): DTRTRACFTQ[Trp169Arg]LCHLHNEVNR

ClinVar aggregate classification (germline): Uncertain significance (1 of 4 stars; one submission).

gnomAD v4.1: 2 of 1,613,032 alleles (0.00012%); highest among the groups gnomAD compares: South Asian, 0.0011%; no homozygotes.

Submission:

GeneDx
Classification: Uncertain significance. Last evaluated: 2024-07-22. Review status: criteria provided, single submitter. Criteria: GeneDx Variant Classification Process June 2021. Collection method: clinical testing. Allele origin: germline. Affected: yes.
Comment: Not observed at significant frequency in large population cohorts (gnomAD); In silico analysis supports that this missense variant has a deleterious effect on protein structure/function; Has not been previously published as pathogenic or benign to our knowledge